The following is an entry in ClinVar:

ClinVar aggregate classification (germline): Benign/Likely benign. Review status: criteria provided, multiple submitters, no conflicts (2 of 4 stars). 4 submissions from 4 submitters: Benign (1); Likely benign (3). Last evaluated 2026-05-19.

Conditions:
Cardiovascular phenotype. Identifiers: MedGen CN230736.
Hereditary cancer-predisposing syndrome. Also called: Tumor predisposition; Hereditary Cancer Syndrome; Hereditary neoplastic syndrome; Neoplastic Syndromes, Hereditary. Identifiers: Orphanet 140162, MedGen C0027672, MeSH D009386, MONDO:0015356.
Neurofibromatosis, type 1 (NF1). Also called: NEUROFIBROMATOSIS, TYPE I, SOMATIC; Peripheral type neurofibromatosis; VON RECKLINGHAUSEN DISEASE; Neurofibromatosis, type I. Identifiers: Orphanet 636, MedGen C0027831, MONDO:0018975, OMIM 162200. Disease mechanism: loss of function.

Allele frequency attached by ClinVar (database versions not stated): gnomAD exomes below 0.00001; ExAC 0.00001.
gnomAD v4.1: 3 of 1,614,052 alleles (0.00019%); highest among the groups gnomAD compares: Non-Finnish European, 0.00025%; no homozygotes.

Submissions (4):

Myriad Genetics, Inc.
Classification: Benign for Neurofibromatosis, type 1. Last evaluated: 2026-05-19. Review status: criteria provided, single submitter. Criteria: Myriad Autosomal Dominant, Autosomal Recessive and X-Linked Classification Criteria (2023). Collection method: clinical testing. Allele origin: unknown.
Comment: This variant is considered benign. This variant is a silent/synonymous amino acid change and it is not expected to impact splicing.

Labcorp Genetics (formerly Invitae), Labcorp
Classification: Likely benign for Neurofibromatosis, type 1. Last evaluated: 2025-12-05. Review status: criteria provided, single submitter. Criteria: Invitae Variant Classification Sherloc (09022015). Collection method: clinical testing. Allele origin: germline.

Genome-Nilou Lab
Classification: Likely benign for Neurofibromatosis, type 1. Last evaluated: 2022-03-15. Review status: criteria provided, single submitter. Criteria: ACMG Guidelines, 2015. Collection method: clinical testing. Allele origin: germline. Affected: no.

Ambry Genetics
Classification: Likely benign for Cardiovascular phenotype; Hereditary cancer-predisposing syndrome. Last evaluated: 2019-05-20. Review status: criteria provided, single submitter. Criteria: Ambry Variant Classification Scheme 2023. Collection method: clinical testing. Allele origin: germline.

NM_001042492.3(NF1):c.3861C>T (p.Phe1287=)

Gene: NF1 (neurofibromin 1; plus strand). Cytogenetic location: 17q11.2.
Variant type: single nucleotide variant.
Coding change: c.3861C>T on transcript NM_001042492.3 (MANE Select); coding-DNA position 3861, C replaced by T.
Protein change: p.Phe1287=; no amino-acid change (phenylalanine 1287 retained).
Molecular consequence: synonymous variant.
Genome position (GRCh38, 1-based): chr17:31,235,763, C>T. VCF-style: chr17-31235763-C-T. GRCh37 (hg19) VCF-style: chr17-29562781-C-T.
Other names: c.3861C>T, p.Phe1287= (NM_000267.4).
Identifiers: ClinVar variation 824315 (VCV000824315.12), dbSNP rs749107019, ClinGen allele CA8486240.